The following is an entry in ClinVar:

ClinVar aggregate classification (germline): Benign/Likely benign. Review status: criteria provided, multiple submitters, no conflicts (2 of 4 stars). 14 submissions from 14 submitters: Benign (8); Likely benign (3). 3 of the submissions do not count toward it. Last evaluated 2026-07-01.

Conditions:
Familial thoracic aortic aneurysm and aortic dissection (TAAD). Also called: Thoracic aortic aneurysms and dissections. Identifiers: Orphanet 91387, MedGen C4707243, MONDO:0019625.
Aortic aneurysm, familial thoracic 7 (AAT7). Also called: AORTIC DISSECTION, FAMILIAL, WITH OR WITHOUT AORTIC ANEURYSM. Identifiers: MedGen C3151077, MONDO:0013418, OMIM 613780.

Allele frequency attached by ClinVar (database versions not stated): gnomAD exomes 0.00146; ExAC 0.00182; 1000 Genomes Project 0.00499; 1000 Genomes Project 30x 0.00578; gnomAD 0.00592 and 0.00637; ESP Exome Variant Server 0.00669; TOPMed 0.00683.
gnomAD v4.1: 1,675 of 1,614,186 alleles (0.1%); highest among the groups gnomAD compares: African/African-American, 1.9%; 18 homozygotes.

Submissions (14):

CeGaT Center for Human Genetics Tuebingen
Classification: Benign. Last evaluated: 2026-07-01. Review status: criteria provided, single submitter. Criteria: CeGaT Center For Human Genetics Tuebingen Variant Classification Criteria Version 2. Collection method: clinical testing. Allele origin: germline. Affected: yes. Observed: 2 variant alleles.
Comment: MYLK: BP4, BS1, BS2

Labcorp Genetics (formerly Invitae), Labcorp
Classification: Benign for Aortic aneurysm, familial thoracic 7. Last evaluated: 2026-01-21. Review status: criteria provided, single submitter. Criteria: Invitae Variant Classification Sherloc (09022015). Collection method: clinical testing. Allele origin: germline.

ARUP Laboratories, Molecular Genetics and Genomics, ARUP Laboratories
Classification: Benign. Last evaluated: 2025-03-26. Review status: criteria provided, single submitter. Criteria: ARUP Molecular Germline Variant Investigation Process 2024. Collection method: clinical testing. Allele origin: germline.

Women's Health and Genetics/Laboratory Corporation of America, LabCorp
Classification: Likely benign. Last evaluated: 2022-05-28. Review status: criteria provided, single submitter. Criteria: LabCorp Variant Classification Summary - May 2015. Collection method: clinical testing. Allele origin: germline.

Molecular Diagnostic Laboratory for Inherited Cardiovascular Disease, Montreal Heart Institute
Classification: Benign. Last evaluated: 2020-01-16. Review status: criteria provided, single submitter. Criteria: ACMG Guidelines, 2015. Collection method: clinical testing. Allele origin: germline. Affected: yes.

Illumina Laboratory Services, Illumina
Classification: Likely benign for Aortic aneurysm, familial thoracic 7. Last evaluated: 2018-01-13. Review status: criteria provided, single submitter. Criteria: ICSL Variant Classification Criteria 13 December 2019. Collection method: clinical testing. Allele origin: germline.
Comment: This variant was observed in the ICSL laboratory as part of a predisposition screen in an ostensibly healthy population. It had not been previously curated by ICSL or reported in the Human Gene Mutation Database (HGMD: prior to June 1st, 2018), and was therefore a candidate for classification through an automated scoring system. Utilizing variant allele frequency, disease prevalence and penetrance estimates, and inheritance mode, an automated score was calculated to assess if this variant is too frequent to cause the disease. Based on the score and internal cut-off values, a variant classified as likely benign is not then subjected to further curation. The score for this variant resulted in a classification of likely benign for this disease.

GeneDx
Classification: Benign. Last evaluated: 2016-11-30. Review status: criteria provided, single submitter. Criteria: GeneDx Variant Classification (06012015). Collection method: clinical testing. Allele origin: germline. Affected: yes.
Comment: This variant is considered likely benign or benign based on one or more of the following criteria: it is a conservative change, it occurs at a poorly conserved position in the protein, it is predicted to be benign by multiple in silico algorithms, and/or has population frequency not consistent with disease.

CHEO Genetics Diagnostic Laboratory, Children's Hospital of Eastern Ontario
Classification: Benign for Familial thoracic aortic aneurysm and aortic dissection. Last evaluated: 2016-11-23. Review status: criteria provided, single submitter. Criteria: ACMG Guidelines, 2015. Collection method: clinical testing. Allele origin: germline. Study: Canadian Open Genetics Repository.

Ambry Genetics
Classification: Benign for Familial thoracic aortic aneurysm and aortic dissection. Last evaluated: 2015-09-22. Review status: criteria provided, single submitter. Criteria: Ambry Variant Classification Scheme 2023. Collection method: clinical testing. Allele origin: germline.

Breakthrough Genomics
Classification: Likely benign. Review status: criteria provided, single submitter. Criteria: ACMG Guidelines, 2015. Collection method: not provided. Allele origin: germline. Inheritance: Autosomal recessive inheritance. Affected: yes.

PreventionGenetics, part of Exact Sciences
Classification: Benign. Review status: criteria provided, single submitter. Criteria: ACMG Guidelines, 2015. Collection method: clinical testing. Allele origin: germline.

Clinical Genetics DNA and cytogenetics Diagnostics Lab, Erasmus MC, Erasmus Medical Center
Classification: Benign. Review status: no assertion criteria provided. Collection method: clinical testing. Allele origin: germline. Affected: yes. Study: VKGL Data-share Consensus. Not counted in ClinVar's aggregate classification.

Genome Diagnostics Laboratory, Amsterdam University Medical Center
Classification: Benign. Review status: no assertion criteria provided. Collection method: clinical testing. Allele origin: germline. Affected: yes. Study: VKGL Data-share Consensus. Not counted in ClinVar's aggregate classification.

Laboratory of Diagnostic Genome Analysis, Leiden University Medical Center (LUMC)
Classification: Likely benign. Review status: no assertion criteria provided. Collection method: clinical testing. Allele origin: germline. Affected: yes. Study: VKGL Data-share Consensus. Not counted in ClinVar's aggregate classification.

NM_053025.4(MYLK):c.2101G>A (p.Ala701Thr)

Gene: MYLK (myosin light chain kinase; minus strand). Cytogenetic location: 3q21.1.
Variant type: single nucleotide variant.
Coding change: c.2101G>A on transcript NM_053025.4 (MANE Select); coding-DNA position 2101, G replaced by A.
Protein change: p.Ala701Thr; replaces alanine 701 with threonine.
Molecular consequence: missense variant.
Genome position (GRCh38, 1-based): chr3:123,708,737, C>T on the plus strand (G>A on the coding strand, the complement: MYLK is on the minus strand). VCF-style: chr3-123708737-C-T. GRCh37 (hg19) VCF-style: chr3-123427584-C-T.
Other names: c.1573G>A, p.Ala525Thr (NM_001321309.2); c.1894G>A, p.Ala632Thr (NM_053026.4, NM_053028.4); c.2101G>A, p.Ala701Thr (NM_053027.4); short protein forms A701T, A632T, A525T.
Identifiers: ClinVar variation 241754 (VCV000241754.40), dbSNP rs142835596, ClinGen allele CA068060.